The following is an entry in ClinVar:

NM_003482.4(KMT2D):c.1486C>T (p.Pro496Ser)

Gene: KMT2D (lysine methyltransferase 2D; minus strand). Cytogenetic location: 12q13.12.
Variant type: single nucleotide variant.
Coding change: c.1486C>T on transcript NM_003482.4 (MANE Select); coding-DNA position 1486, C replaced by T.
Protein change: p.Pro496Ser; replaces proline 496 with serine.
Molecular consequence: missense variant.
Genome position (GRCh38, 1-based): chr12:49,052,197, G>A on the plus strand (C>T on the coding strand, the complement: KMT2D is on the minus strand). VCF-style: chr12-49052197-G-A. GRCh37 (hg19) VCF-style: chr12-49445980-G-A.
Other names: short protein forms P496S.
Identifiers: ClinVar variation 1519842 (VCV001519842.8), dbSNP rs1938102081, ClinGen allele CA384674820.

ClinVar aggregate classification (germline): Uncertain significance (1 of 4 stars; one submission).

Conditions:
Kabuki syndrome. Also called: Kabuki make-up syndrome; NIIKAWA-KUROKI SYNDROME. Identifiers: Orphanet 2322, MedGen C0796004, MONDO:0016512.

Allele frequency attached by ClinVar (database versions not stated): gnomAD exomes below 0.00001; TOPMed below 0.00001.
gnomAD v4.1: 3 of 1,613,614 alleles (0.00019%); highest among the groups gnomAD compares: Non-Finnish European, 0.00025%; no homozygotes.

Submission:

Labcorp Genetics (formerly Invitae), Labcorp
Classification: Uncertain significance for Kabuki syndrome. Last evaluated: 2024-11-19. Review status: criteria provided, single submitter. Criteria: Invitae Variant Classification Sherloc (09022015). Collection method: clinical testing. Allele origin: germline.
Comment: This sequence change replaces proline, which is neutral and non-polar, with serine, which is neutral and polar, at codon 496 of the KMT2D protein (p.Pro496Ser). This variant is not present in population databases (gnomAD no frequency). This variant has not been reported in the literature in individuals affected with KMT2D-related conditions. ClinVar contains an entry for this variant (Variation ID: 1519842). Invitae Evidence Modeling of protein sequence and biophysical properties (such as structural, functional, and spatial information, amino acid conservation, physicochemical variation, residue mobility, and thermodynamic stability) indicates that this missense variant is not expected to disrupt KMT2D protein function with a negative predictive value of 95%. In summary, the available evidence is currently insufficient to determine the role of this variant in disease. Therefore, it has been classified as a Variant of Uncertain Significance.